The following is an entry in ClinVar:

ClinVar aggregate classification (germline): Uncertain significance (1 of 4 stars; one submission).

Conditions:
Alpha-methylacyl-CoA racemase deficiency (AMACRD). Also called: AMACR deficiency. Identifiers: Orphanet 79095, MedGen C3280428, MONDO:0013681, OMIM 614307. Disease mechanism: loss of function.

gnomAD v4.1: 2 of 1,614,024 alleles (0.00012%); highest among the groups gnomAD compares: Non-Finnish European, 0.00017%; no homozygotes.

Submission:

Labcorp Genetics (formerly Invitae), Labcorp
Classification: Uncertain significance for Alpha-methylacyl-CoA racemase deficiency. Last evaluated: 2022-05-01. Review status: criteria provided, single submitter. Criteria: Invitae Variant Classification Sherloc (09022015). Collection method: clinical testing. Allele origin: germline.
Comment: In summary, the available evidence is currently insufficient to determine the role of this variant in disease. Therefore, it has been classified as a Variant of Uncertain Significance. Algorithms developed to predict the effect of missense changes on protein structure and function (SIFT, PolyPhen-2, Align-GVGD) all suggest that this variant is likely to be disruptive. This variant has not been reported in the literature in individuals affected with AMACR-related conditions. This variant is not present in population databases (gnomAD no frequency). This sequence change replaces alanine, which is neutral and non-polar, with valine, which is neutral and non-polar, at codon 189 of the AMACR protein (p.Ala189Val).

NM_014324.6(AMACR):c.566C>T (p.Ala189Val)

Genes: C1QTNF3-AMACR (C1QTNF3-AMACR readthrough (NMD candidate); minus strand), AMACR (alpha-methylacyl-CoA racemase; minus strand). Cytogenetic location: 5p13.2.
Variant type: single nucleotide variant.
Coding change: c.566C>T on transcript NM_014324.6 (MANE Select); coding-DNA position 566, C replaced by T.
Protein change: p.Ala189Val; replaces alanine 189 with valine.
Molecular consequence: missense variant. On other transcripts: non-coding transcript variant (1), synonymous variant (1).
Genome position (GRCh38, 1-based): chr5:33,998,814, G>A on the plus strand (C>T on the coding strand, the complement: AMACR is on the minus strand). VCF-style: chr5-33998814-G-A. GRCh37 (hg19) VCF-style: chr5-33998919-G-A.
Other names: c.566C>T, p.Ala189Val (NM_001167595.2); c.405C>T, p.Ser135= (NM_203382.3); short protein forms A189V.
Identifiers: ClinVar variation 2132435 (VCV002132435.4), dbSNP rs367814719, ClinGen allele CA359381717.